The following is an entry in ClinVar:

NM_000069.3(CACNA1S):c.932G>T (p.Trp311Leu)

Gene: CACNA1S (calcium voltage-gated channel subunit alpha1 S; minus strand). Cytogenetic location: 1q32.1.
Variant type: single nucleotide variant.
Coding change: c.932G>T on transcript NM_000069.3 (MANE Select); coding-DNA position 932, G replaced by T.
Protein change: p.Trp311Leu; replaces tryptophan 311 with leucine.
Molecular consequence: missense variant.
Genome position (GRCh38, 1-based): chr1:201,087,898, C>A on the plus strand (G>T on the coding strand, the complement: CACNA1S is on the minus strand). VCF-style: chr1-201087898-C-A. GRCh37 (hg19) VCF-style: chr1-201057026-C-A.
Other names: c.932G>T (NM_000069.2); short protein forms W311L.
Identifiers: ClinVar variation 3072196 (VCV003072196.4), dbSNP rs771016044, ClinGen allele CA084068.

ClinVar aggregate classification (germline): Uncertain significance. Review status: criteria provided, multiple submitters, no conflicts (2 of 4 stars). 4 submissions from 4 submitters: Uncertain significance (4). Last evaluated 2025-08-05.

Conditions:
Malignant hyperthermia, susceptibility to, 5 (MHS5). Also called: CACNA1S-Related Malignant Hyperthermia Susceptibility. Identifiers: Orphanet 423, MedGen C1866077, MONDO:0011163, OMIM 601887.
Hypokalemic periodic paralysis, type 1. Also called: HypoPP; Hypokalemic Periodic Paralysis Type 1 (AD). Identifiers: Orphanet 681, MedGen C3714580, MONDO:0042979, OMIM 170400.
Congenital myopathy 18. Also called: Myopathy, congenital, due to dihydropyridine receptor defect; DIHYDROPYRIDINE RECEPTOR CONGENITAL MYOPATHY; DHPR CONGENITAL MYOPATHY. Identifiers: MedGen C5830283, MONDO:0859514, OMIM 620246.
Thyrotoxic periodic paralysis, susceptibility to, 1 (TTPP1). Identifiers: Orphanet 79102, MedGen C2749982, MONDO:0008570, OMIM 188580.

Allele frequency attached by ClinVar (database versions not stated): gnomAD exomes below 0.00001; ExAC 0.00001.
gnomAD v4.1: 3 of 1,613,594 alleles (0.00019%); highest among the groups gnomAD compares: Non-Finnish European, 0.00025%; no homozygotes.

Submissions (4):

Labcorp Genetics (formerly Invitae), Labcorp
Classification: Uncertain significance for Hypokalemic periodic paralysis, type 1; Malignant hyperthermia, susceptibility to, 5. Last evaluated: 2025-08-05. Review status: criteria provided, single submitter. Criteria: Invitae Variant Classification Sherloc (09022015). Collection method: clinical testing. Allele origin: germline.
Comment: This sequence change replaces tryptophan, which is neutral and slightly polar, with leucine, which is neutral and non-polar, at codon 311 of the CACNA1S protein (p.Trp311Leu). The frequency data for this variant in the population databases is considered unreliable, as metrics indicate poor data quality at this position in the gnomAD database. This variant has not been reported in the literature in individuals affected with CACNA1S-related conditions. ClinVar contains an entry for this variant (Variation ID: 3072196). Invitae Evidence Modeling of protein sequence and biophysical properties (such as structural, functional, and spatial information, amino acid conservation, physicochemical variation, residue mobility, and thermodynamic stability) has been performed for this missense variant. However, the output from this modeling did not meet the statistical confidence thresholds required to predict the impact of this variant on CACNA1S protein function. In summary, the available evidence is currently insufficient to determine the role of this variant in disease. Therefore, it has been classified as a Variant of Uncertain Significance.

GeneDx
Classification: Uncertain significance. Last evaluated: 2025-05-14. Review status: criteria provided, single submitter. Criteria: GeneDx Variant Classification Process June 2021. Collection method: clinical testing. Allele origin: germline. Affected: yes.
Comment: Not observed at significant frequency in large population cohorts (gnomAD); In silico analysis supports that this missense variant has a deleterious effect on protein structure/function; Has not been previously published as pathogenic or benign to our knowledge

Fulgent Genetics
Classification: Uncertain significance for Hypokalemic periodic paralysis, type 1; Thyrotoxic periodic paralysis, susceptibility to, 1; Malignant hyperthermia, susceptibility to, 5; Congenital myopathy 18. Last evaluated: 2024-05-22. Review status: criteria provided, single submitter. Criteria: ACMG Guidelines, 2015. Collection method: clinical testing. Allele origin: germline.

All of Us Research Program, National Institutes of Health
Classification: Uncertain significance for Malignant hyperthermia, susceptibility to, 5. Last evaluated: 2023-11-02. Review status: criteria provided, single submitter. Criteria: ACMG Guidelines, 2015. Collection method: clinical testing. Allele origin: germline. Inheritance: Autosomal dominant inheritance. Observed: 2 variant alleles, 2 heterozygotes.
Comment: This missense variant replaces tryptophan with leucine at codon 311 of the CACNA1S protein. Computational prediction suggests that this variant may have deleterious impact on protein structure and function (internally defined REVEL score threshold >= 0.7, PMID: 27666373). To our knowledge, functional studies have not been reported for this variant. This variant has not been reported in individuals affected with CACNA1S-related disorders in the literature. This variant has been identified in 1/250936 chromosomes in the general population by the Genome Aggregation Database (gnomAD). The available evidence is insufficient to determine the role of this variant in disease conclusively. Therefore, this variant is classified as a Variant of Uncertain Significance.

This study involves interpretation of variants in research participants for the purpose of population health screening. Participant phenotype was not available at the time of variant classification. Additional details can be found in publication PMID: 35346344, PMCID: PMC8962531